The following is an entry in ClinVar:

NM_000742.4(CHRNA2):c.620A>C (p.Asp207Ala)

Gene: CHRNA2 (cholinergic receptor nicotinic alpha 2 subunit; minus strand). Cytogenetic location: 8p21.2.
Variant type: single nucleotide variant.
Coding change: c.620A>C on transcript NM_000742.4 (MANE Select); coding-DNA position 620, A replaced by C.
Protein change: p.Asp207Ala; replaces aspartic acid 207 with alanine.
Molecular consequence: missense variant.
Genome position (GRCh38, 1-based): chr8:27,463,823, T>G on the plus strand (A>C on the coding strand, the complement: CHRNA2 is on the minus strand). VCF-style: chr8-27463823-T-G. GRCh37 (hg19) VCF-style: chr8-27321340-T-G.
Other names: c.575A>C, p.Asp192Ala (NM_001282455.2); c.143A>C, p.Asp48Ala (NM_001347705.2, NM_001347706.2); c.26A>C, p.Asp9Ala (NM_001347707.2, NM_001347708.2); short protein forms D192A, D207A, D48A, D9A.
Identifiers: ClinVar variation 4530930 (VCV004530930.1).

ClinVar aggregate classification (germline): Uncertain significance (1 of 4 stars; one submission).

Submission:

GeneDx
Classification: Uncertain significance. Last evaluated: 2025-05-20. Review status: criteria provided, single submitter. Criteria: GeneDx Variant Classification Process June 2021. Collection method: clinical testing. Allele origin: germline. Affected: yes.
Comment: Not observed at significant frequency in large population cohorts (gnomAD); In silico analysis supports that this missense variant has a deleterious effect on protein structure/function; Has not been previously published as pathogenic or benign to our knowledge